The following is an entry in ClinVar:

ClinVar aggregate classification (germline): Uncertain significance (1 of 4 stars; one submission).

Submission:

Dasa
Classification: Uncertain significance. Last evaluated: 2025-06-15. Review status: criteria provided, single submitter. Criteria: DASA Assertion Criteria. Collection method: clinical testing. Allele origin: germline.
Comment: NM_004006.3(DMD):c.10283T>G (p.Leu3428Arg) is a missense variant that results in the substitution of leucine with arginine. This variant is absent from population databases. Computational prediction algorithms are consistent with a deleterious effect. The currently available literature and clinical evidence are not sufficient to establish a definitive association between this variant and the reported condition. Therefore, this variant is classified as a variant of uncertain significance.

NM_004006.3(DMD):c.10283T>G (p.Leu3428Arg)

Gene: DMD (dystrophin; minus strand). Cytogenetic location: Xp21.2.
Variant type: single nucleotide variant.
Coding change: c.10283T>G on transcript NM_004006.3 (MANE Select); coding-DNA position 10283, T replaced by G.
Protein change: p.Leu3428Arg; replaces leucine 3428 with arginine.
Molecular consequence: missense variant. On other transcripts: intron variant (2).
Genome position (GRCh38, 1-based): chrX:31,173,584, A>C on the plus strand (T>G on the coding strand, the complement: DMD is on the minus strand). VCF-style: chrX-31173584-A-C. GRCh37 (hg19) VCF-style: chrX-31191701-A-C.
Other names: c.10259T>G, p.Leu3420Arg (NM_000109.4); c.10271T>G, p.Leu3424Arg (NM_004009.3); c.9914T>G, p.Leu3305Arg (NM_004010.3); c.6260T>G, p.Leu2087Arg (NM_004011.4); c.6251T>G, p.Leu2084Arg (NM_004012.4); c.2903T>G, p.Leu968Arg (NM_004013.3, NM_004021.3); c.2096T>G, p.Leu699Arg (NM_004014.3); c.1079T>G, p.Leu360Arg (NM_004015.3, NM_004016.3); and 3 more; short protein forms L2084R, L2087R, L3305R, L3420R, L3424R, L3428R, L347R, L360R.
Identifiers: ClinVar variation 4882346 (VCV004882346.2).